The following is an entry in ClinVar:

ClinVar aggregate classification (germline): Uncertain significance (1 of 4 stars; one submission).

Submission:

Labcorp Genetics (formerly Invitae), Labcorp
Classification: Uncertain significance. Last evaluated: 2021-05-19. Review status: criteria provided, single submitter. Criteria: Invitae Variant Classification Sherloc (09022015). Collection method: clinical testing. Allele origin: germline.
Comment: In summary, the available evidence is currently insufficient to determine the role of this variant in disease. Therefore, it has been classified as a Variant of Uncertain Significance. Algorithms developed to predict the effect of missense changes on protein structure and function are either unavailable or do not agree on the potential impact of this missense change (SIFT: "Deleterious"; PolyPhen-2: "Probably Damaging"; Align-GVGD: "Class C0"). This variant has not been reported in the literature in individuals with ALPK3-related conditions. This variant is not present in population databases (ExAC no frequency). This sequence change replaces tyrosine with cysteine at codon 1710 of the ALPK3 protein (p.Tyr1710Cys). The tyrosine residue is highly conserved and there is a large physicochemical difference between tyrosine and cysteine.

NM_020778.5(ALPK3):c.4523A>G (p.Tyr1508Cys)

Gene: ALPK3 (alpha kinase 3; plus strand). Cytogenetic location: 15q25.3.
Variant type: single nucleotide variant.
Coding change: c.4523A>G on transcript NM_020778.5 (MANE Select); coding-DNA position 4523, A replaced by G.
Protein change: p.Tyr1508Cys; replaces tyrosine 1508 with cysteine.
Molecular consequence: missense variant.
Genome position (GRCh38, 1-based): chr15:84,864,465, A>G. VCF-style: chr15-84864465-A-G. GRCh37 (hg19) VCF-style: chr15-85407696-A-G.
Other names: short protein forms Y1508C.
Identifiers: ClinVar variation 1507210 (VCV001507210.8), dbSNP rs2141573980, ClinGen allele CA393364764.